The following is an entry in ClinVar:

ClinVar aggregate classification (germline): Uncertain significance (1 of 4 stars; one submission).

Conditions:
Cataract-growth hormone deficiency-sensory neuropathy-sensorineural hearing loss-skeletal dysplasia syndrome. Also called: Cataracts, growth hormone deficiency, sensory neuropathy, sensorineural hearing loss, and skeletal dysplasia. Identifiers: Orphanet 436174, MedGen C4014942, MONDO:0014455, OMIM 616007.

Submission:

Center for Human Genetics and Genomic Medicine, Uniklinik Rwth Aachen
Classification: Uncertain significance for Cataract-growth hormone deficiency-sensory neuropathy-sensorineural hearing loss-skeletal dysplasia syndrome. Last evaluated: 2024-02-15. Review status: criteria provided, single submitter. Criteria: ACMG Guidelines, 2015. Collection method: clinical testing. Allele origin: biparental. Inheritance: Autosomal recessive inheritance. Affected: yes. Observed: 1 homozygote.
Comment: To date, this variant is not listed in population databases (gnomAD v4.0.0) and has not been reported in the literature in individuals with IARS2-related conditions. Computational prediction suggests that this variant may impact protein structure and/or function (CADD (v1.6): Phred: 28.2, REVEL (v2021-05-03): Score: 0.675). Based on insufficient evidence, the clinical significance of this alteration remains unclear.

NM_018060.4(IARS2):c.349T>C (p.Tyr117His)

Gene: IARS2 (isoleucyl-tRNA synthetase 2, mitochondrial; plus strand). Cytogenetic location: 1q41.
Variant type: single nucleotide variant.
Coding change: c.349T>C on transcript NM_018060.4 (MANE Select); coding-DNA position 349, T replaced by C.
Protein change: p.Tyr117His; replaces tyrosine 117 with histidine.
Molecular consequence: missense variant.
Genome position (GRCh38, 1-based): chr1:220,096,185, T>C. VCF-style: chr1-220096185-T-C. GRCh37 (hg19) VCF-style: chr1-220269527-T-C.
Other names: short protein forms Y117H.
Identifiers: ClinVar variation 3391175 (VCV003391175.1).